The following is an entry in ClinVar:

NM_004628.5(XPC):c.1703A>T (p.Tyr568Phe)

Gene: XPC (XPC complex subunit, DNA damage recognition and repair factor; minus strand). Cytogenetic location: 3p25.1.
Variant type: single nucleotide variant.
Coding change: c.1703A>T on transcript NM_004628.5 (MANE Select); coding-DNA position 1703, A replaced by T.
Protein change: p.Tyr568Phe; replaces tyrosine 568 with phenylalanine.
Molecular consequence: missense variant. On other transcripts: non-coding transcript variant (2), intron variant (1).
Genome position (GRCh38, 1-based): chr3:14,158,180, T>A on the plus strand (A>T on the coding strand, the complement: XPC is on the minus strand). VCF-style: chr3-14158180-T-A. GRCh37 (hg19) VCF-style: chr3-14199680-T-A.
Other names: c.1124A>T, p.Tyr375Phe (NM_001354726.2); c.1703A>T, p.Tyr568Phe (NM_001354727.2); c.1685A>T, p.Tyr562Phe (NM_001354729.2); c.1626+77A>T (NM_001354730.2); short protein forms Y562F, Y375F, Y568F.
Identifiers: ClinVar variation 4701632 (VCV004701632.1).

ClinVar aggregate classification (germline): Uncertain significance (1 of 4 stars; one submission).

Submission:

Labcorp Genetics (formerly Invitae), Labcorp
Classification: Uncertain significance. Last evaluated: 2025-09-08. Review status: criteria provided, single submitter. Criteria: Invitae Variant Classification Sherloc (09022015). Collection method: clinical testing. Allele origin: germline.
Comment: This sequence change replaces tyrosine, which is neutral and polar, with phenylalanine, which is neutral and non-polar, at codon 568 of the XPC protein (p.Tyr568Phe). This variant is not present in population databases (gnomAD no frequency). This variant has not been reported in the literature in individuals affected with XPC-related conditions. Invitae Evidence Modeling of protein sequence and biophysical properties (such as structural, functional, and spatial information, amino acid conservation, physicochemical variation, residue mobility, and thermodynamic stability) indicates that this missense variant is expected to disrupt XPC protein function with a positive predictive value of 80%. In summary, the available evidence is currently insufficient to determine the role of this variant in disease. Therefore, it has been classified as a Variant of Uncertain Significance.